The following is an entry in ClinVar:

ClinVar aggregate classification (germline): Uncertain significance (1 of 4 stars; one submission).

Submission:

CeGaT Center for Human Genetics Tuebingen
Classification: Uncertain significance. Last evaluated: 2025-10-01. Review status: criteria provided, single submitter. Criteria: CeGaT Center For Human Genetics Tuebingen Variant Classification Criteria Version 2. Collection method: clinical testing. Allele origin: germline. Affected: yes. Observed: 1 variant allele.
Comment: BCOR: PM2, BP4

NM_001123385.2(BCOR):c.484A>G (p.Thr162Ala)

Genes: BCOR (BCL6 corepressor; minus strand), LOC126863239 (MED14-independent group 3 enhancer GRCh37_chrX:39932994-39934193; plus strand). Cytogenetic location: Xp11.4.
Variant type: single nucleotide variant.
Coding change: c.484A>G on transcript NM_001123385.2 (MANE Select); coding-DNA position 484, A replaced by G.
Protein change: p.Thr162Ala; replaces threonine 162 with alanine.
Molecular consequence: missense variant.
Genome position (GRCh38, 1-based): chrX:40,074,862, T>C on the plus strand (A>G on the coding strand, the complement: BCOR is on the minus strand). VCF-style: chrX-40074862-T-C. GRCh37 (hg19) VCF-style: chrX-39934115-T-C.
Other names: c.484A>G, p.Thr162Ala (NM_001123383.2, NM_001123384.2, NM_001437510.1 and 4 more transcripts); short protein forms T162A.
Identifiers: ClinVar variation 4534865 (VCV004534865.6).